The following is an entry in ClinVar:

ClinVar aggregate classification (germline): Uncertain significance. Review status: criteria provided, multiple submitters, no conflicts (2 of 4 stars). 2 submissions from 2 submitters: Uncertain significance (2). Last evaluated 2024-08-01.

Conditions:
Hereditary cancer-predisposing syndrome. Also called: Hereditary Cancer Syndrome; Neoplastic Syndromes, Hereditary; Tumor predisposition; Hereditary neoplastic syndrome. Identifiers: Orphanet 140162, MedGen C0027672, MeSH D009386, MONDO:0015356.
Familial cancer of breast. Also called: Hereditary breast cancer; BREAST CANCER, FAMILIAL; hereditary breast carcinoma. Identifiers: Orphanet 227535, MedGen C0346153, MONDO:0016419, OMIM 114480. Disease mechanism: loss of function.

Submissions (2):

Labcorp Genetics (formerly Invitae), Labcorp
Classification: Uncertain significance for Familial cancer of breast. Last evaluated: 2024-08-01. Review status: criteria provided, single submitter. Criteria: Invitae Variant Classification Sherloc (09022015). Collection method: clinical testing. Allele origin: germline.
Comment: This sequence change replaces leucine, which is neutral and non-polar, with serine, which is neutral and polar, at codon 467 of the CHEK2 protein (p.Leu467Ser). This variant is not present in population databases (gnomAD no frequency). This variant has not been reported in the literature in individuals affected with CHEK2-related conditions. ClinVar contains an entry for this variant (Variation ID: 489880). An algorithm developed to predict the effect of missense changes on protein structure and function (PolyPhen-2) suggests that this variant is likely to be disruptive. In summary, the available evidence is currently insufficient to determine the role of this variant in disease. Therefore, it has been classified as a Variant of Uncertain Significance.

Color Diagnostics, LLC DBA Color Health
Classification: Uncertain significance for Hereditary cancer-predisposing syndrome. Last evaluated: 2018-07-11. Review status: criteria provided, single submitter. Criteria: ACMG Guidelines, 2015. Collection method: clinical testing. Allele origin: germline.

NM_007194.4(CHEK2):c.1400T>C (p.Leu467Ser)

Gene: CHEK2 (checkpoint kinase 2; minus strand). Cytogenetic location: 22q12.1.
Variant type: single nucleotide variant.
Coding change: c.1400T>C on transcript NM_007194.4 (MANE Select); coding-DNA position 1400, T replaced by C.
Protein change: p.Leu467Ser; replaces leucine 467 with serine.
Molecular consequence: missense variant.
Genome position (GRCh38, 1-based): chr22:28,694,093, A>G on the plus strand (T>C on the coding strand, the complement: CHEK2 is on the minus strand). VCF-style: chr22-28694093-A-G. GRCh37 (hg19) VCF-style: chr22-29090081-A-G.
Other names: c.1529T>C, p.Leu510Ser (NM_001005735.3); c.737T>C, p.Leu246Ser (NM_001257387.3); c.1199T>C, p.Leu400Ser (NM_001349956.3); c.1313T>C, p.Leu438Ser (NM_145862.3); short protein forms L467S, L510S, L438S, L246S, L400S.
Identifiers: ClinVar variation 489880 (VCV000489880.12), dbSNP rs1555913161, ClinGen allele CA411094402.
Genomic context (GRCh38, chr22:28,694,093, plus strand): 5'-TGAAGCCACGGGTGTCTTAAGGCTTCTTCTGTCGTAAAACGTGCCTTTGGATCCACTACC[A>G]ACAACTTCTTGACAAGGTCCAGAGCTAAAGCAACAATTGGGCAAATCACAGTGAAAAGGA-3'
Protein context (NP_009125.1, residues 457-477): EKALDLVKKL[Leu467Ser]VVDPKARFTT